The following is an entry in ClinVar:

NM_000552.5(VWF):c.6818C>T (p.Pro2273Leu)

Gene: VWF (von Willebrand factor; minus strand). Cytogenetic location: 12p13.31.
Variant type: single nucleotide variant.
Coding change: c.6818C>T on transcript NM_000552.5 (MANE Select); coding-DNA position 6818, C replaced by T.
Protein change: p.Pro2273Leu; replaces proline 2273 with leucine.
Molecular consequence: missense variant.
Genome position (GRCh38, 1-based): chr12:5,985,646, G>A on the plus strand (C>T on the coding strand, the complement: VWF is on the minus strand). VCF-style: chr12-5985646-G-A. GRCh37 (hg19) VCF-style: chr12-6094812-G-A.
Other names: c.6818C>T (NM_000552.4); short protein forms P2273L.
Identifiers: ClinVar variation 2603708 (VCV002603708.6), dbSNP rs761386093, ClinGen allele CA6401887.
Genomic context (GRCh38, chr12:5,985,646, plus strand): 5'-GTTGTGCAGTTGACCTTCCGCCCGCTGAGGCATGTGCAGATCTGACAGGGCTGGTGGTCC[G>A]GGACCCAGGCTTCCAGGAACTGAGGGCAAAGCGAGGTTCAGAAAGGGCACAGGACATTCT-3'
Protein context (NP_000543.3, residues 2263-2283): VQHQFLEAWV[Pro2273Leu]DHQPCQICTC

ClinVar aggregate classification (germline): Uncertain significance. Review status: criteria provided, multiple submitters, no conflicts (2 of 4 stars). 4 submissions from 4 submitters: Uncertain significance (4). Last evaluated 2025-07-02.

Conditions:
Inborn genetic diseases. Identifiers: MedGen C0950123, MeSH D030342.

Allele frequency attached by ClinVar (database versions not stated): gnomAD 0.00001; TOPMed 0.00001; ExAC 0.00002; gnomAD exomes 0.00002.
gnomAD v4.1: 24 of 1,613,950 alleles (0.0015%); highest among the groups gnomAD compares: Admixed American, 0.0033%; no homozygotes.

Submissions (4):

Women's Health and Genetics/Laboratory Corporation of America, LabCorp
Classification: Uncertain significance. Last evaluated: 2025-07-02. Review status: criteria provided, single submitter. Criteria: LabCorp Variant Classification Summary - May 2015. Collection method: clinical testing. Allele origin: germline.
Comment: Variant summary: VWF c.6818C>T (p.Pro2273Leu) results in a non-conservative amino acid change in the encoded protein sequence. Algorithms developed to predict the effect of missense changes on protein structure and function are either unavailable or do not agree on the potential impact of this missense change. The variant allele was found at a frequency of 2.4e-05 in 251000 control chromosomes. The available data on variant occurrences in the general population are insufficient to allow any conclusion about variant significance. To our knowledge, no occurrence of c.6818C>T in individuals affected with Von Willebrand Disease and no experimental evidence demonstrating its impact on protein function have been reported. ClinVar contains an entry for this variant (Variation ID: 2603708). Based on the evidence outlined above, the variant was classified as uncertain significance.

Quest Diagnostics Nichols Institute San Juan Capistrano
Classification: Uncertain significance. Last evaluated: 2025-01-27. Review status: criteria provided, single submitter. Criteria: Quest Diagnostics criteria. Collection method: clinical testing. Allele origin: unknown.
Comment: The VWF c.6818C>T (p.Pro2273Leu) variant has not been reported in individuals with VWF-related conditions in the published literature. The frequency of this variant in the general population (Genome Aggregation Database) is uninformative in the assessment of its pathogenicity. Analysis of this variant using bioinformatics tools for the prediction of the effect of amino acid changes on protein structure and function yielded conflicting predictions that this variant is deleterious or benign. Based on the available information, we are unable to determine the clinical significance of this variant.

ARUP Laboratories, Molecular Genetics and Genomics, ARUP Laboratories
Classification: Uncertain significance. Last evaluated: 2024-01-29. Review status: criteria provided, single submitter. Criteria: ARUP Molecular Germline Variant Investigation Process 2024. Collection method: clinical testing. Allele origin: germline.
Comment: The VWF c.6818C>T; p.Pro2273Leu variant (rs761386093), to our knowledge, is not reported in the medical literature but is reported in ClinVar (Variation ID: 2603708). This variant is only observed on six alleles in the Genome Aggregation Database (v2.1.1), indicating it is not a common polymorphism. Computational analyses are uncertain whether this variant is neutral or deleterious (REVEL: 0.256). Due to limited information, the clinical significance of this variant is uncertain at this time.

Ambry Genetics
Classification: Uncertain significance for Inborn genetic diseases. Last evaluated: 2023-07-19. Review status: criteria provided, single submitter. Criteria: Ambry Variant Classification Scheme 2023. Collection method: clinical testing. Allele origin: germline.